The following is an entry in ClinVar:

ClinVar aggregate classification (germline): Uncertain significance. Review status: criteria provided, multiple submitters, no conflicts (2 of 4 stars). 3 submissions from 3 submitters: Uncertain significance (3). Last evaluated 2026-07-20.

Conditions:
Intellectual developmental disorder, autosomal dominant 1. Also called: Intellectual disability, autosomal dominant 1; MBD5 Haploinsufficiency. Identifiers: Orphanet 228402, MedGen C1969562, MONDO:0007974, OMIM 156200.
Inborn genetic diseases. Identifiers: MedGen C0950123, MeSH D030342.

Allele frequency attached by ClinVar (database versions not stated): gnomAD exomes below 0.00001.

Submissions (3):

Ambry Genetics
Classification: Uncertain significance for Inborn genetic diseases. Last evaluated: 2026-07-20. Review status: criteria provided, single submitter. Criteria: Ambry Variant Classification Scheme 2023. Collection method: clinical testing. Allele origin: germline.

Labcorp Genetics (formerly Invitae), Labcorp
Classification: Uncertain significance for Intellectual developmental disorder, autosomal dominant 1. Last evaluated: 2024-10-27. Review status: criteria provided, single submitter. Criteria: Invitae Variant Classification Sherloc (09022015). Collection method: clinical testing. Allele origin: germline.
Comment: This sequence change replaces valine, which is neutral and non-polar, with alanine, which is neutral and non-polar, at codon 871 of the MBD5 protein (p.Val871Ala). This variant is not present in population databases (gnomAD no frequency). This variant has not been reported in the literature in individuals affected with MBD5-related conditions. ClinVar contains an entry for this variant (Variation ID: 982999). Invitae Evidence Modeling of protein sequence and biophysical properties (such as structural, functional, and spatial information, amino acid conservation, physicochemical variation, residue mobility, and thermodynamic stability) indicates that this missense variant is not expected to disrupt MBD5 protein function with a negative predictive value of 80%. In summary, the available evidence is currently insufficient to determine the role of this variant in disease. Therefore, it has been classified as a Variant of Uncertain Significance.

Institute of Human Genetics, University of Leipzig Medical Center
Classification: Uncertain significance for Intellectual developmental disorder, autosomal dominant 1. Last evaluated: 2019-01-01. Review status: criteria provided, single submitter. Criteria: ACMG Guidelines, 2015. Collection method: clinical testing. Allele origin: unknown. Affected: yes.

NM_001378120.1(MBD5):c.2612T>C (p.Val871Ala)

Gene: MBD5 (methyl-CpG binding domain protein 5; plus strand). Cytogenetic location: 2q23.1.
Variant type: single nucleotide variant.
Coding change: c.2612T>C on transcript NM_001378120.1 (MANE Select); coding-DNA position 2612, T replaced by C.
Protein change: p.Val871Ala; replaces valine 871 with alanine.
Molecular consequence: missense variant.
Genome position (GRCh38, 1-based): chr2:148,483,203, T>C. VCF-style: chr2-148483203-T-C. GRCh37 (hg19) VCF-style: chr2-149240772-T-C.
Other names: c.2612T>C, p.Val871Ala (NM_018328.5); short protein forms V871A.
Identifiers: ClinVar variation 982999 (VCV000982999.4), dbSNP rs753164504, ClinGen allele CA57592788.